The following is an entry in ClinVar:

ClinVar aggregate classification (germline): Uncertain significance (1 of 4 stars; one submission).

Conditions:
Rubinstein-Taybi syndrome (RSTS). Identifiers: Orphanet 783, MedGen C0035934, MONDO:0019188.

Submission:

Labcorp Genetics (formerly Invitae), Labcorp
Classification: Uncertain significance for Rubinstein-Taybi syndrome. Last evaluated: 2021-12-30. Review status: criteria provided, single submitter. Criteria: Invitae Variant Classification Sherloc (09022015). Collection method: clinical testing. Allele origin: germline.
Comment: This sequence change replaces glutamic acid, which is acidic and polar, with alanine, which is neutral and non-polar, at codon 1550 of the CREBBP protein (p.Glu1550Ala). In summary, the available evidence is currently insufficient to determine the role of this variant in disease. Therefore, it has been classified as a Variant of Uncertain Significance. Advanced modeling of protein sequence and biophysical properties (such as structural, functional, and spatial information, amino acid conservation, physicochemical variation, residue mobility, and thermodynamic stability) performed at Invitae indicates that this missense variant is expected to disrupt CREBBP protein function. This variant has not been reported in the literature in individuals affected with CREBBP-related conditions. This variant is not present in population databases (gnomAD no frequency).

NM_004380.3(CREBBP):c.4649A>C (p.Glu1550Ala)

Gene: CREBBP (CREB binding lysine acetyltransferase; minus strand). Cytogenetic location: 16p13.3.
Variant type: single nucleotide variant.
Coding change: c.4649A>C on transcript NM_004380.3 (MANE Select); coding-DNA position 4649, A replaced by C.
Protein change: p.Glu1550Ala; replaces glutamic acid 1550 with alanine.
Molecular consequence: missense variant.
Genome position (GRCh38, 1-based): chr16:3,736,115, T>G on the plus strand (A>C on the coding strand, the complement: CREBBP is on the minus strand). VCF-style: chr16-3736115-T-G. GRCh37 (hg19) VCF-style: chr16-3786116-T-G.
Other names: c.4535A>C, p.Glu1512Ala (NM_001079846.1); short protein forms E1512A, E1550A.
Identifiers: ClinVar variation 2066940 (VCV002066940.4), dbSNP rs2548362004, ClinGen allele CA394562433.
Genomic context (GRCh38, chr16:3,736,115, plus strand): 5'-GCAGTGCTCTCTTCCTTTTTCCTCTCCTCTTCTTCTTGTTCTAGTTCCTTAATGCTCTCT[T>G]CTAACACATTGGGCCAGAAATCACCTTCAAAATAGGGCAGTTCCTTGGCACTGGTGAGCC-3'
Protein context (NP_004371.2, residues 1540-1560): FEGDFWPNVL[Glu1550Ala]ESIKELEQEE